The following is an entry in ClinVar:

ClinVar aggregate classification (germline): Uncertain significance (1 of 4 stars; one submission).

Conditions:
Rubinstein-Taybi syndrome due to EP300 haploinsufficiency. Also called: EP300-Related Rubinstein-Taybi Syndrome; RUBINSTEIN-TAYBI SYNDROME 2. Identifiers: Orphanet 353284, Orphanet 783, MedGen C3150941, MONDO:0013364, OMIM 613684.

Allele frequency attached by ClinVar (database versions not stated): ExAC 0.00001.
gnomAD v4.1: 1 of 1,614,000 alleles (0.000062%); no homozygotes.

Submission:

Labcorp Genetics (formerly Invitae), Labcorp
Classification: Uncertain significance for Rubinstein-Taybi syndrome due to EP300 haploinsufficiency. Last evaluated: 2023-07-17. Review status: criteria provided, single submitter. Criteria: Invitae Variant Classification Sherloc (09022015). Collection method: clinical testing. Allele origin: germline.
Comment: In summary, the available evidence is currently insufficient to determine the role of this variant in disease. Therefore, it has been classified as a Variant of Uncertain Significance. Advanced modeling of protein sequence and biophysical properties (such as structural, functional, and spatial information, amino acid conservation, physicochemical variation, residue mobility, and thermodynamic stability) performed at Invitae indicates that this missense variant is not expected to disrupt EP300 protein function. ClinVar contains an entry for this variant (Variation ID: 2061361). This variant has not been reported in the literature in individuals affected with EP300-related conditions. This variant is present in population databases (rs751791250, gnomAD 0.0009%). This sequence change replaces arginine, which is basic and polar, with glycine, which is neutral and non-polar, at codon 1889 of the EP300 protein (p.Arg1889Gly).

NM_001429.4(EP300):c.5665A>G (p.Arg1889Gly)

Gene: EP300 (EP300 lysine acetyltransferase; plus strand). Cytogenetic location: 22q13.2.
Variant type: single nucleotide variant.
Coding change: c.5665A>G on transcript NM_001429.4 (MANE Select); coding-DNA position 5665, A replaced by G.
Protein change: p.Arg1889Gly; replaces arginine 1889 with glycine.
Molecular consequence: missense variant.
Genome position (GRCh38, 1-based): chr22:41,177,376, A>G. VCF-style: chr22-41177376-A-G. GRCh37 (hg19) VCF-style: chr22-41573380-A-G.
Other names: c.5587A>G, p.Arg1863Gly (NM_001362843.2); short protein forms R1889G, R1863G.
Identifiers: ClinVar variation 2061361 (VCV002061361.4), dbSNP rs751791250, ClinGen allele CA10253681.